The following is an entry in ClinVar:

NM_012479.4(YWHAG):c.578C>T (p.Ala193Val)

Gene: YWHAG (tyrosine 3-monooxygenase/tryptophan 5-monooxygenase activation protein gamma; minus strand). Cytogenetic location: 7q11.23.
Variant type: single nucleotide variant.
Coding change: c.578C>T on transcript NM_012479.4 (MANE Select); coding-DNA position 578, C replaced by T.
Protein change: p.Ala193Val; replaces alanine 193 with valine.
Molecular consequence: missense variant.
Genome position (GRCh38, 1-based): chr7:76,329,743, G>A on the plus strand (C>T on the coding strand, the complement: YWHAG is on the minus strand). VCF-style: chr7-76329743-G-A. GRCh37 (hg19) VCF-style: chr7-75959060-G-A.
Other names: c.578C>T (NM_012479.3); short protein forms A193V.
Identifiers: ClinVar variation 2418754 (VCV002418754.8), dbSNP rs2536180773, ClinGen allele CA367776552.

ClinVar aggregate classification (germline): Pathogenic/Likely pathogenic. Review status: criteria provided, multiple submitters, no conflicts (2 of 4 stars). 3 submissions from 3 submitters: Pathogenic (2); Likely pathogenic (1). Last evaluated 2025-12-21.

Conditions:
Developmental and epileptic encephalopathy, 56. Also called: EPILEPTIC ENCEPHALOPATHY, EARLY INFANTILE, 56. Identifiers: MedGen C4540034, MONDO:0033365, OMIM 617665.

Submissions (3):

GeneDx
Classification: Pathogenic. Last evaluated: 2025-12-21. Review status: criteria provided, single submitter. Criteria: GeneDx Variant Classification Process June 2021. Collection method: clinical testing. Allele origin: germline.
Comment: Not observed at significant frequency in large population cohorts (gnomAD); In silico analysis supports that this missense variant has a deleterious effect on protein structure/function; This variant is associated with the following publications: (PMID: 19344873, 38491959)

Labcorp Genetics (formerly Invitae), Labcorp
Classification: Pathogenic. Last evaluated: 2024-12-09. Review status: criteria provided, single submitter. Criteria: Invitae Variant Classification Sherloc (09022015). Collection method: clinical testing. Allele origin: germline.
Comment: This sequence change replaces alanine, which is neutral and non-polar, with valine, which is neutral and non-polar, at codon 193 of the YWHAG protein (p.Ala193Val). This variant is not present in population databases (gnomAD no frequency). This missense change has been observed in individual(s) with YWHAG-related conditions (internal data). In at least one individual the variant was observed to be de novo. ClinVar contains an entry for this variant (Variation ID: 2418754). Invitae Evidence Modeling of protein sequence and biophysical properties (such as structural, functional, and spatial information, amino acid conservation, physicochemical variation, residue mobility, and thermodynamic stability) indicates that this missense variant is expected to disrupt YWHAG protein function with a positive predictive value of 80%. For these reasons, this variant has been classified as Pathogenic.

Illumina Laboratory Services, Illumina
Classification: Likely pathogenic for Developmental and epileptic encephalopathy, 56. Last evaluated: 2023-06-28. Review status: criteria provided, single submitter. Criteria: ICSLVariantClassificationCriteria RUGD 01 April 2020. Collection method: clinical testing. Allele origin: unknown.
Comment: The YWHAG c.578C>T (p.Ala193Val) missense variant lies in the 14-3-3 domain. This variant has been identified in a presumed in a de novo state in an individual presenting with intellectual disability and seizures (PMID: 19344873, DECIPHER patient # 385823). The p.Ala193Val variant is not observed in version 2.1.1 or version 3.1.2 of the Genome Aggregation Database. This variant was identified in a de novo state. Based on the available evidence, the c.578C>T (p.Ala193Val) variant is classified as likely pathogenic for developmental and epileptic encephalopathy.